The following is an entry in ClinVar:

NM_000159.4(GCDH):c.397G>T (p.Val133Leu)

Gene: GCDH (glutaryl-CoA dehydrogenase; plus strand). Cytogenetic location: 19p13.13.
Variant type: single nucleotide variant.
Coding change: c.397G>T on transcript NM_000159.4 (MANE Select); coding-DNA position 397, G replaced by T.
Protein change: p.Val133Leu; replaces valine 133 with leucine.
Molecular consequence: missense variant. On other transcripts: non-coding transcript variant (2).
Genome position (GRCh38, 1-based): chr19:12,893,545, G>T. VCF-style: chr19-12893545-G-T. GRCh37 (hg19) VCF-style: chr19-13004359-G-T.
Other names: c.397G>T, p.Val133Leu (NM_013976.5); c.397G>T (NM_000159.3); short protein forms V133L.
Identifiers: ClinVar variation 555414 (VCV000555414.11), dbSNP rs746388510, ClinGen allele CA9234382.

ClinVar aggregate classification (germline): Conflicting classifications of pathogenicity. Review status: criteria provided, conflicting classifications (1 of 4 stars). 4 submissions from 4 submitters: Pathogenic (1); Likely pathogenic (1); Uncertain significance (1). 1 of the submissions does not count toward it. Last evaluated 2025-08-22.

Conditions:
Glutaric aciduria, type 1. Also called: Glutaric Acidemia Type 1; Glutaricacidemia Type 1; GA I; Glutaryl-CoA dehydrogenase deficiency; Glutaric acidemia type I; Glutaricaciduria, type I. Identifiers: Orphanet 25, MedGen C0268595, MONDO:0009281, OMIM 231670.

Allele frequency attached by ClinVar (database versions not stated): TOPMed 0.00001; ExAC 0.00002.
gnomAD v4.1: 7 of 1,613,952 alleles (0.00043%); highest among the groups gnomAD compares: African/African-American, 0.0093%; no homozygotes.

Submissions (4):

Women's Health and Genetics/Laboratory Corporation of America, LabCorp
Classification: Likely pathogenic for Glutaric aciduria, type 1. Last evaluated: 2025-08-22. Review status: criteria provided, single submitter. Criteria: LabCorp Variant Classification Summary - May 2015. Collection method: clinical testing. Allele origin: germline.
Comment: Variant summary: GCDH c.397G>T (p.Val133Leu) results in a conservative amino acid change located in the Acyl-CoA dehydrogenase/oxidase, N-terminal domain (IPR013786) of the encoded protein sequence. Algorithms developed to predict the effect of missense changes on protein structure and function are either unavailable or do not agree on the potential impact of this missense change. The variant allele was found at a frequency of 2e-05 in 251458 control chromosomes. c.397G>T has been observed in individual(s) affected with Glutaric Acidemia Type 1 (Schillaci_2016). Another variant (p.Val133Met) that disrupts this residue has been determined to be pathogenic (PMID: 10699052; Internal Data). To our knowledge, no experimental evidence demonstrating an impact on protein function has been reported. ClinVar contains an entry for this variant (Variation ID: 555414). Based on the evidence outlined above, the variant was classified as likely pathogenic.

Labcorp Genetics (formerly Invitae), Labcorp
Classification: Pathogenic for Glutaric aciduria, type 1. Last evaluated: 2024-01-21. Review status: criteria provided, single submitter. Criteria: Invitae Variant Classification Sherloc (09022015). Collection method: clinical testing. Allele origin: germline.
Comment: This sequence change replaces valine, which is neutral and non-polar, with leucine, which is neutral and non-polar, at codon 133 of the GCDH protein (p.Val133Leu). This variant is present in population databases (rs746388510, gnomAD 0.03%). This missense change has been observed in individual(s) with glutaric aciduria type 1 (PMID: 27397597). ClinVar contains an entry for this variant (Variation ID: 555414). Advanced modeling of protein sequence and biophysical properties (such as structural, functional, and spatial information, amino acid conservation, physicochemical variation, residue mobility, and thermodynamic stability) performed at Invitae indicates that this missense variant is expected to disrupt GCDH protein function with a positive predictive value of 80%. This variant disrupts the p.Val133 amino acid residue in GCDH. Other variant(s) that disrupt this residue have been determined to be pathogenic (PMID: 10699052; Invitae). This suggests that this residue is clinically significant, and that variants that disrupt this residue are likely to be disease-causing. For these reasons, this variant has been classified as Pathogenic.

GeneDx
Classification: Uncertain significance. Last evaluated: 2020-09-17. Review status: criteria provided, single submitter. Criteria: GeneDx Variant Classification Process June 2021. Collection method: clinical testing. Allele origin: germline. Affected: yes.
Comment: In silico analysis supports that this missense variant has a deleterious effect on protein structure/function; This variant is associated with the following publications: (PMID: 27397597)

Counsyl
Classification: Uncertain significance for Glutaric aciduria, type 1. Last evaluated: 2017-12-04. Review status: no assertion criteria provided. Collection method: clinical testing. Allele origin: unknown. Not counted in ClinVar's aggregate classification.

Literature cited by the submitters: PubMed 27397597 (cited by 3 submitters); PubMed 10699052 (cited by Labcorp Genetics (formerly Invitae), Labcorp).